The following is an entry in ClinVar:

NM_004565.3(PEX14):c.271C>G (p.Pro91Ala)

Gene: PEX14 (peroxisomal biogenesis factor 14; plus strand). Cytogenetic location: 1p36.22.
Variant type: single nucleotide variant.
Coding change: c.271C>G on transcript NM_004565.3 (MANE Select); coding-DNA position 271, C replaced by G.
Protein change: p.Pro91Ala; replaces proline 91 with alanine.
Molecular consequence: missense variant.
Genome position (GRCh38, 1-based): chr1:10,599,339, C>G. VCF-style: chr1-10599339-C-G. GRCh37 (hg19) VCF-style: chr1-10659396-C-G.
Other names: short protein forms P91A.
Identifiers: ClinVar variation 1519235 (VCV001519235.8), dbSNP rs2124602763, ClinGen allele CA338690499.

ClinVar aggregate classification (germline): Uncertain significance (1 of 4 stars; one submission).

Conditions:
Peroxisome biogenesis disorder, complementation group K (CGK). Identifiers: MedGen C1866257, MONDO:0800365.

Submission:

Labcorp Genetics (formerly Invitae), Labcorp
Classification: Uncertain significance for Peroxisome biogenesis disorder, complementation group K. Last evaluated: 2021-01-29. Review status: criteria provided, single submitter. Criteria: Invitae Variant Classification Sherloc (09022015). Collection method: clinical testing. Allele origin: germline.
Comment: This variant is not present in population databases (ExAC no frequency). This sequence change replaces proline with alanine at codon 91 of the PEX14 protein (p.Pro91Ala). The proline residue is moderately conserved and there is a small physicochemical difference between proline and alanine. This variant has not been reported in the literature in individuals with PEX14-related conditions. In summary, the available evidence is currently insufficient to determine the role of this variant in disease. Therefore, it has been classified as a Variant of Uncertain Significance. Algorithms developed to predict the effect of missense changes on protein structure and function output the following: SIFT: "Tolerated"; PolyPhen-2: "Benign"; Align-GVGD: "Class C0". The alanine amino acid residue is found in multiple mammalian species, suggesting that this missense change does not adversely affect protein function. These predictions have not been confirmed by published functional studies and their clinical significance is uncertain.